The following is an entry in ClinVar:

ClinVar aggregate classification (germline): Conflicting classifications of pathogenicity. Review status: criteria provided, conflicting classifications (1 of 4 stars). 2 submissions from 2 submitters: Uncertain significance (1); Likely benign (1). Last evaluated 2026-02-06.

Conditions:
Familial thoracic aortic aneurysm and aortic dissection (TAAD). Also called: Thoracic aortic aneurysms and dissections. Identifiers: Orphanet 91387, MedGen C4707243, MONDO:0019625.

Allele frequency attached by ClinVar (database versions not stated): gnomAD exomes below 0.00001; gnomAD 0.00004 and 0.00005; TOPMed 0.00005.
gnomAD v4.1: 8 of 1,330,692 alleles (0.0006%); highest among the groups gnomAD compares: African/African-American, 0.011%; no homozygotes.

Submissions (2):

Ambry Genetics
Classification: Uncertain significance for Familial thoracic aortic aneurysm and aortic dissection. Last evaluated: 2026-02-06. Review status: criteria provided, single submitter. Criteria: Ambry Variant Classification Scheme 2023. Collection method: clinical testing. Allele origin: germline.
Comment: The c.-2G>A variant is located in the 5' untranslated region (5&rsquo; UTR) of the NOTCH1 gene. This variant results from a G to A substitution 2 bases upstream from the first translated codon. This nucleotide position is well conserved in available vertebrate species. Based on the available evidence, the clinical significance of this variant remains unclear.

GeneDx
Classification: Likely benign. Last evaluated: 2022-09-15. Review status: criteria provided, single submitter. Criteria: GeneDx Variant Classification Process June 2021. Collection method: clinical testing. Allele origin: germline. Affected: yes.
Comment: See Variant Classification Assertion Criteria.

NM_017617.5(NOTCH1):c.-2G>A

Genes: NOTCH1 (notch receptor 1; minus strand), LOC130003020 (ATAC-STARR-seq lymphoblastoid silent region 20528; plus strand). Cytogenetic location: 9q34.3.
Variant type: single nucleotide variant.
Coding change: c.-2G>A on transcript NM_017617.5 (MANE Select); 2 bases upstream of the start codon, G replaced by A.
Molecular consequence: 5 prime UTR variant.
Genome position (GRCh38, 1-based): chr9:136,545,788, C>T on the plus strand (G>A on the coding strand, the complement: NOTCH1 is on the minus strand). VCF-style: chr9-136545788-C-T. GRCh37 (hg19) VCF-style: chr9-139440240-C-T.
Other names: c.-2G>A (NM_017617.3).
Identifiers: ClinVar variation 1218330 (VCV001218330.6), dbSNP rs921361590, ClinGen allele CA201608711.